The following is an entry in ClinVar:

NM_000038.6(APC):c.1237A>G (p.Ile413Val)

Gene: APC (APC regulator of Wnt signaling pathway; plus strand). Cytogenetic location: 5q22.2.
Variant type: single nucleotide variant.
Coding change: c.1237A>G on transcript NM_000038.6 (MANE Select); coding-DNA position 1237, A replaced by G.
Protein change: p.Ile413Val; replaces isoleucine 413 with valine.
Molecular consequence: missense variant. On other transcripts: non-coding transcript variant (2).
Genome position (GRCh38, 1-based): chr5:112,819,269, A>G. VCF-style: chr5-112819269-A-G. GRCh37 (hg19) VCF-style: chr5-112154966-A-G.
Other names: c.1237A>G, p.Ile413Val (NM_001127510.3, NM_001354895.2, NM_001354896.2 and 4 more transcripts); c.1183A>G, p.Ile395Val (NM_001127511.3); c.1267A>G, p.Ile423Val (NM_001354897.2, NM_001407446.1); c.1162A>G, p.Ile388Val (NM_001354898.2, NM_001407451.1); c.1153A>G, p.Ile385Val (NM_001407452.1, NM_001354899.2); c.1060A>G, p.Ile354Val (NM_001407453.1, NM_001354900.2, NM_001354901.2); c.934A>G, p.Ile312Val (NM_001407454.1, NM_001407455.1, NM_001407456.1 and 5 more transcripts); c.850A>G, p.Ile284Val (NM_001407467.1, NM_001407469.1); and 5 more; short protein forms I284V, I312V, I423V, I354V, I385V, I395V, I413V, I130V.
Identifiers: ClinVar variation 4056271 (VCV004056271.2).
Genomic context (GRCh38, chr5:112,819,269, plus strand): 5'-TCACAGCCTGATGACAAGAGAGGCAGGCGTGAAATCCGAGTCCTTCATCTTTTGGAACAG[A>G]TACGCGCTTACTGTGAAACCTGTTGGGAGTGGCAGGAAGCTCATGAACCAGGCATGGACC-3'
Protein context (NP_000029.2, residues 403-423): EIRVLHLLEQ[Ile413Val]RAYCETCWEW

ClinVar aggregate classification (germline): Uncertain significance. Review status: criteria provided, multiple submitters, no conflicts (2 of 4 stars). 2 submissions from 2 submitters: Uncertain significance (2). Last evaluated 2026-04-16.

Conditions:
Familial adenomatous polyposis 1 (FAP1). Also called: FAMILIAL ADENOMATOUS POLYPOSIS 1, ATTENUATED; POLYPOSIS, ADENOMATOUS INTESTINAL. Identifiers: MedGen C2713442, MONDO:0021056, OMIM 175100. Disease mechanism: loss of function.
Hereditary cancer-predisposing syndrome. Also called: Neoplastic Syndromes, Hereditary; Tumor predisposition; Hereditary Cancer Syndrome; Hereditary neoplastic syndrome. Identifiers: Orphanet 140162, MedGen C0027672, MeSH D009386, MONDO:0015356.

Submissions (2):

Ambry Genetics
Classification: Uncertain significance for Hereditary cancer-predisposing syndrome. Last evaluated: 2026-04-16. Review status: criteria provided, single submitter. Criteria: Ambry Variant Classification Scheme 2023. Collection method: clinical testing. Allele origin: germline.
Comment: The c.1237A>G variant (also known as p.I413V), located in coding exon 9 of the APC gene, results from an A to G substitution at nucleotide position 1237. The isoleucine at codon 413 is replaced by valine, an amino acid with highly similar properties. This nucleotide position is well conserved in available vertebrate species. This amino acid position is well conserved in available vertebrate species. In silico splice site analysis predicts that this alteration will result in the creation or strengthening of a novel splice donor site; however, direct evidence is insufficient at this time (Ambry internal data). In addition, in silico predictors for this gene do not accurately predict pathogenicity for the missense impact. Missense variants in APC are not a common cause of disease (Spier I et al. Genet Med. 2024 Feb;26(2):100992). Based on the available evidence, the clinical significance of this variant remains unclear.

Molecular Pathology, Peter Maccallum Cancer Centre
Classification: Uncertain significance for Familial adenomatous polyposis 1. Last evaluated: 2025-02-25. Review status: criteria provided, single submitter. Criteria: ACMG Guidelines, 2015. Collection method: clinical testing. Allele origin: germline. Inheritance: Autosomal dominant inheritance.